The following is an entry in ClinVar:

NM_001135580.2(TEKTIP1):c.602C>T (p.Pro201Leu)

Genes: MFSD12 (major facilitator superfamily domain containing 12; minus strand), TEKTIP1 (tektin bundle interacting protein 1; plus strand). Cytogenetic location: 19p13.3.
Variant type: single nucleotide variant.
Coding change: c.602C>T on transcript NM_001135580.2 (MANE Select); coding-DNA position 602, C replaced by T.
Protein change: p.Pro201Leu; replaces proline 201 with leucine.
Molecular consequence: missense variant.
Genome position (GRCh38, 1-based): chr19:3,543,982, C>T. VCF-style: chr19-3543982-C-T. GRCh37 (hg19) VCF-style: chr19-3543980-C-T.
Other names: short protein forms P201L.
Identifiers: ClinVar variation 2648991 (VCV002648991.24), dbSNP rs190228213, ClinGen allele CA9078938.

ClinVar aggregate classification (germline): Benign (1 of 4 stars; one submission).

Allele frequency attached by ClinVar (database versions not stated): ESP Exome Variant Server 0.00942; 1000 Genomes Project 30x 0.00250; 1000 Genomes Project 0.00260; ExAC 0.00545; gnomAD 0.00602; TOPMed 0.00671.
gnomAD v4.1: 14,945 of 1,547,682 alleles (0.97%); highest among the groups gnomAD compares: Non-Finnish European, 1.2%; 92 homozygotes.

Submission:

CeGaT Center for Human Genetics Tuebingen
Classification: Benign. Last evaluated: 2023-09-01. Review status: criteria provided, single submitter. Criteria: CeGaT Center For Human Genetics Tuebingen Variant Classification Criteria Version 2. Collection method: clinical testing. Allele origin: germline. Affected: yes. Observed: 1 variant allele.
Comment: TEKTIP1: BP4, BS1, BS2